The following is an entry in ClinVar:

NM_003491.4(NAA10):c.439A>G (p.Met147Val)

Gene: NAA10 (N-alpha-acetyltransferase 10, NatA catalytic subunit; minus strand). Cytogenetic location: Xq28.
Variant type: single nucleotide variant.
Coding change: c.439A>G on transcript NM_003491.4 (MANE Select); coding-DNA position 439, A replaced by G.
Protein change: p.Met147Val; replaces methionine 147 with valine.
Molecular consequence: missense variant.
Genome position (GRCh38, 1-based): chrX:153,930,795, T>C on the plus strand (A>G on the coding strand, the complement: NAA10 is on the minus strand). VCF-style: chrX-153930795-T-C. GRCh37 (hg19) VCF-style: chrX-153196248-T-C.
Other names: c.394A>G, p.Met132Val (NM_001256119.2); c.421A>G, p.Met141Val (NM_001256120.2); short protein forms M132V, M141V, M147V.
Identifiers: ClinVar variation 3235972 (VCV003235972.1), dbSNP rs2521324393, ClinGen allele CA415157713.

ClinVar aggregate classification (germline): Uncertain significance (1 of 4 stars; one submission).

Conditions:
Ogden syndrome (OGDNS). Also called: N-TERMINAL ACETYLTRANSFERASE DEFICIENCY. Identifiers: Orphanet 276432, MedGen C3275447, MONDO:0010457, OMIM 300855.

Submission:

MVZ Medizinische Genetik Mainz
Classification: Uncertain significance for Ogden syndrome. Last evaluated: 2022-10-19. Review status: criteria provided, single submitter. Criteria: UK Practice Guidelines For Variant Classification V4 01 2020. Collection method: clinical testing. Allele origin: germline. Inheritance: X-linked dominant inheritance. Affected: yes. Observed: 1 variant allele.
Comment: ACMG Criteria: PM5,PM2_SUP,PP2,PP3